The following is an entry in ClinVar:

NM_001384474.1(LOXHD1):c.3247del (p.Leu1083fs)

Gene: LOXHD1 (lipoxygenase homology PLAT domains 1; minus strand). Cytogenetic location: 18q21.1.
Variant type: Deletion.
Coding change: c.3247del on transcript NM_001384474.1 (MANE Select); coding-DNA position 3247, one base deleted (C; older notation c.3247delC).
Protein change: p.Leu1083fs; shifts the reading frame from leucine 1083.
Molecular consequence: frameshift variant. On other transcripts: 5 prime UTR variant (1).
Genome position (GRCh38, 1-based): chr18:46,557,459, G deleted on the plus strand (C on the coding strand, the reverse complement: LOXHD1 is on the minus strand); the first of 2 consecutive G bases (chr18:46,557,459-46,557,460); deleting either gives the same sequence. VCF-style (leftmost placement, unchanged base first): chr18-46557458-AG-A. GRCh37 (hg19) VCF-style: chr18-44137421-AG-A.
Other names: c.-87del (NM_001145472.3); c.3247del, p.Leu1083fs (NM_144612.7); short protein forms L1083fs.
Identifiers: ClinVar variation 1451297 (VCV001451297.6), dbSNP rs2143975906, ClinGen allele CA2573155292.

ClinVar aggregate classification (germline): Pathogenic (1 of 4 stars; one submission).

Submission:

Labcorp Genetics (formerly Invitae), Labcorp
Classification: Pathogenic. Last evaluated: 2022-03-22. Review status: criteria provided, single submitter. Criteria: Invitae Variant Classification Sherloc (09022015). Collection method: clinical testing. Allele origin: germline.
Comment: For these reasons, this variant has been classified as Pathogenic. This variant has not been reported in the literature in individuals affected with LOXHD1-related conditions. This variant is not present in population databases (gnomAD no frequency). This sequence change creates a premature translational stop signal (p.Leu1083Trpfs*4) in the LOXHD1 gene. It is expected to result in an absent or disrupted protein product. Loss-of-function variants in LOXHD1 are known to be pathogenic (PMID: 19732867, 21465660, 25792669).

Literature cited by the submitters: PubMed 19732867; PubMed 21465660; PubMed 25792669.